The following is an entry in ClinVar:

NM_015693.4(INTU):c.466C>T (p.Gln156Ter)

Gene: INTU (inturned planar cell polarity protein; plus strand). Cytogenetic location: 4q28.1.
Variant type: single nucleotide variant.
Coding change: c.466C>T on transcript NM_015693.4 (MANE Select); coding-DNA position 466, C replaced by T.
Protein change: p.Gln156Ter; replaces glutamine 156 with a stop codon.
Molecular consequence: nonsense.
Genome position (GRCh38, 1-based): chr4:127,643,840, C>T. VCF-style: chr4-127643840-C-T. GRCh37 (hg19) VCF-style: chr4-128564995-C-T.
Other names: short protein forms Q156*.
Identifiers: ClinVar variation 4695548 (VCV004695548.1).

ClinVar aggregate classification (germline): Uncertain significance (1 of 4 stars; one submission).

Submission:

Labcorp Genetics (formerly Invitae), Labcorp
Classification: Uncertain significance. Last evaluated: 2025-04-26. Review status: criteria provided, single submitter. Criteria: Invitae Variant Classification Sherloc (09022015). Collection method: clinical testing. Allele origin: germline.
Comment: This sequence change creates a premature translational stop signal (p.Gln156*) in the INTU gene. It is expected to result in an absent or disrupted protein product. However, the current clinical and genetic evidence is not sufficient to establish whether loss-of-function variants in INTU cause disease. This variant is present in population databases (no rsID available, gnomAD 0.003%). This variant has not been reported in the literature in individuals affected with INTU-related conditions. In summary, the available evidence is currently insufficient to determine the role of this variant in disease. Therefore, it has been classified as a Variant of Uncertain Significance.